The following is an entry in ClinVar:

NM_199355.4(ADAMTS18):c.3007-1G>C

Gene: ADAMTS18 (ADAM metallopeptidase with thrombospondin type 1 motif 18; minus strand). Cytogenetic location: 16q23.1.
Variant type: single nucleotide variant.
Coding change: c.3007-1G>C on transcript NM_199355.4 (MANE Select); the canonical splice acceptor site of the intron before coding-DNA position 3007, G replaced by C.
Molecular consequence: splice acceptor variant.
Genome position (GRCh38, 1-based): chr16:77,293,259, C>G on the plus strand (G>C on the coding strand, the complement: ADAMTS18 is on the minus strand). VCF-style: chr16-77293259-C-G. GRCh37 (hg19) VCF-style: chr16-77327156-C-G.
Other names: c.2491-1G>C (NM_001326358.2).
Identifiers: ClinVar variation 1323855 (VCV001323855.7), dbSNP rs201570714, ClinGen allele CA8180644.

ClinVar aggregate classification (germline): Likely pathogenic. Review status: criteria provided, multiple submitters, no conflicts (2 of 4 stars). 2 submissions from 2 submitters: Likely pathogenic (2). Last evaluated 2024-10-11.

Conditions:
ADAMTS18-related disorder. Also called: ADAMTS18-related condition.

Allele frequency attached by ClinVar (database versions not stated): gnomAD exomes 0.00003 and 0.00005; gnomAD 0.00004 and 0.00005; ExAC 0.00007; ESP Exome Variant Server 0.00015.
gnomAD v4.1: 53 of 1,613,142 alleles (0.0033%); highest among the groups gnomAD compares: South Asian, 0.012%; no homozygotes.

Submissions (3):

Blueprint Genetics
Classification: Likely pathogenic for ADAMTS18-related disorders. Last evaluated: 2024-10-11. Review status: criteria provided, single submitter. Criteria: ACMG Guidelines, 2015. Collection method: clinical testing. Allele origin: germline. Affected: yes. Observed: 5 variant alleles.

Labcorp Genetics (formerly Invitae), Labcorp
Classification: Likely pathogenic. Last evaluated: 2024-06-20. Review status: criteria provided, single submitter. Criteria: Invitae Variant Classification Sherloc (09022015). Collection method: clinical testing. Allele origin: germline.
Comment: This sequence change affects an acceptor splice site in intron 19 of the ADAMTS18 gene. It is expected to disrupt RNA splicing. Variants that disrupt the donor or acceptor splice site typically lead to a loss of protein function (PMID: 16199547), and loss-of-function variants in ADAMTS18 are known to be pathogenic (PMID: 23818446, 24874986). This variant is present in population databases (rs201570714, gnomAD 0.01%). This variant has not been reported in the literature in individuals affected with ADAMTS18-related conditions. ClinVar contains an entry for this variant (Variation ID: 1323855). Algorithms developed to predict the effect of sequence changes on RNA splicing suggest that this variant may disrupt the consensus splice site. In summary, the currently available evidence indicates that the variant is pathogenic, but additional data are needed to prove that conclusively. Therefore, this variant has been classified as Likely Pathogenic.

Dr. Peter K. Rogan Lab, Western University
No classification provided (evidence only). Condition: Familial cancer of breast. Review status: no classification provided. Collection method: in vitro. Allele origin: not applicable. Functional consequence: retained intron. Not counted in ClinVar's aggregate classification.

Literature cited by the submitters: PubMed 16199547 (cited by Labcorp Genetics (formerly Invitae), Labcorp); PubMed 23818446 (cited by Labcorp Genetics (formerly Invitae), Labcorp); PubMed 24874986 (cited by Labcorp Genetics (formerly Invitae), Labcorp).